The following is an entry in ClinVar:

NM_015158.5(KANK1):c.3333+914T>A

Gene: KANK1 (KN motif and ankyrin repeat domains 1; plus strand). Cytogenetic location: 9p24.3.
Variant type: single nucleotide variant.
Coding change: c.3333+914T>A on transcript NM_015158.5 (MANE Select); 914 bases into the intron after coding-DNA position 3333, T replaced by A.
Molecular consequence: intron variant.
Genome position (GRCh38, 1-based): chr9:735,749, T>A. VCF-style: chr9-735749-T-A. GRCh37 (hg19) VCF-style: chr9-735749-T-A.
Other names: c.3333+914T>A (NM_001256876.3, NM_001438412.1, NM_001354334.2 and 1 more transcripts); c.2859+914T>A (NM_001354333.2, NM_001354335.2, NM_001354337.2 and 2 more transcripts); c.3093+914T>A (NM_001354331.2); c.3279+914T>A (NM_001354332.2); c.2565+914T>A (NM_001354336.2, NM_001438411.1); c.2619+914T>A (NM_001354339.2, NM_001354343.2, NM_001354342.2); c.2805+914T>A (NM_001354338.2, NM_001354340.2, NM_001354344.2).
Identifiers: ClinVar variation 4533422 (VCV004533422.6).

ClinVar aggregate classification (germline): Likely benign (1 of 4 stars; one submission).

gnomAD v4.1: 409 of 439,068 alleles (0.093%); highest among the groups gnomAD compares: Admixed American, 0.28%; no homozygotes.

Submission:

CeGaT Center for Human Genetics Tuebingen
Classification: Likely benign. Last evaluated: 2025-10-01. Review status: criteria provided, single submitter. Criteria: CeGaT Center For Human Genetics Tuebingen Variant Classification Criteria Version 2. Collection method: clinical testing. Allele origin: germline. Affected: yes. Observed: 1 variant allele.
Comment: KANK1: BP4